The following is an entry in ClinVar:

NM_001278116.2(L1CAM):c.2720G>A (p.Ser907Asn)

Gene: L1CAM (L1 cell adhesion molecule; minus strand). Cytogenetic location: Xq28.
Variant type: single nucleotide variant.
Coding change: c.2720G>A on transcript NM_001278116.2 (MANE Select); coding-DNA position 2720, G replaced by A.
Protein change: p.Ser907Asn; replaces serine 907 with asparagine.
Molecular consequence: missense variant.
Genome position (GRCh38, 1-based): chrX:153,865,328, C>T on the plus strand (G>A on the coding strand, the complement: L1CAM is on the minus strand). VCF-style: chrX-153865328-C-T. GRCh37 (hg19) VCF-style: chrX-153130783-C-T.
Other names: c.2720G>A, p.Ser907Asn (NM_024003.3, NM_000425.5); c.2705G>A, p.Ser902Asn (NM_001143963.2); short protein forms S907N, S902N.
Identifiers: ClinVar variation 2957012 (VCV002957012.3), dbSNP rs201970675, ClinGen allele CA337260096.
Genomic context (GRCh38, chrX:153,865,328, plus strand): 5'-CAGGGGATGAGGCGTGGGGTGCAGGACTCACCTCCCTCTGGGGTGCTGAAGGTGAACTCG[C>T]TGGCGGGCCCCGATCCTCGCCCGTTAAAGGCCTGCACCTCCAGGTGGTAGGAGCTATAGG-3'
Protein context (NP_001265045.1, residues 897-917): AFNGRGSGPA[Ser907Asn]EFTFSTPEGV

ClinVar aggregate classification (germline): Uncertain significance (1 of 4 stars; one submission).

Conditions:
Spastic paraplegia. Identifiers: MedGen C0037772, HP:0001258.

Allele frequency attached by ClinVar (database versions not stated): gnomAD exomes below 0.00001.
gnomAD v4.1: 6 of 1,211,011 alleles (0.0005%); highest among the groups gnomAD compares: Non-Finnish European, 0.00056%; no homozygotes.

Submission:

Labcorp Genetics (formerly Invitae), Labcorp
Classification: Uncertain significance for Spastic paraplegia. Last evaluated: 2023-12-18. Review status: criteria provided, single submitter. Criteria: Invitae Variant Classification Sherloc (09022015). Collection method: clinical testing. Allele origin: germline.
Comment: This sequence change replaces serine, which is neutral and polar, with asparagine, which is neutral and polar, at codon 907 of the L1CAM protein (p.Ser907Asn). This variant is not present in population databases (gnomAD no frequency). This variant has not been reported in the literature in individuals affected with L1CAM-related conditions. Advanced modeling of protein sequence and biophysical properties (such as structural, functional, and spatial information, amino acid conservation, physicochemical variation, residue mobility, and thermodynamic stability) performed at Invitae indicates that this missense variant is not expected to disrupt L1CAM protein function with a negative predictive value of 95%. In summary, the available evidence is currently insufficient to determine the role of this variant in disease. Therefore, it has been classified as a Variant of Uncertain Significance.